The following is an entry in ClinVar:

NM_000632.4(ITGAM):c.2176G>C (p.Val726Leu)

Gene: ITGAM (integrin subunit alpha M; plus strand). Cytogenetic location: 16p11.2.
Variant type: single nucleotide variant.
Coding change: c.2176G>C on transcript NM_000632.4 (MANE Select); coding-DNA position 2176, G replaced by C.
Protein change: p.Val726Leu; replaces valine 726 with leucine.
Molecular consequence: missense variant.
Genome position (GRCh38, 1-based): chr16:31,324,669, G>C. VCF-style: chr16-31324669-G-C. GRCh37 (hg19) VCF-style: chr16-31335990-G-C.
Other names: c.2176G>C (NM_000632.3); c.2179G>C, p.Val727Leu (NM_001145808.2); short protein forms V726L, V727L.
Identifiers: ClinVar variation 3627738 (VCV003627738.3).

ClinVar aggregate classification (germline): Uncertain significance. Review status: criteria provided, multiple submitters, no conflicts (2 of 4 stars). 2 submissions from 2 submitters: Uncertain significance (2). Last evaluated 2025-11-05.

gnomAD v4.1: 17 of 1,602,850 alleles (0.0011%); highest among the groups gnomAD compares: African/African-American, 0.019%; no homozygotes.

Submissions (2):

Ambry Genetics
Classification: Uncertain significance. Last evaluated: 2025-11-05. Review status: criteria provided, single submitter. Criteria: Ambry Variant Classification Scheme 2023. Collection method: clinical testing. Allele origin: germline.

Labcorp Genetics (formerly Invitae), Labcorp
Classification: Uncertain significance. Last evaluated: 2025-09-10. Review status: criteria provided, single submitter. Criteria: Invitae Variant Classification Sherloc (09022015). Collection method: clinical testing. Allele origin: germline.
Comment: This sequence change replaces valine, which is neutral and non-polar, with leucine, which is neutral and non-polar, at codon 726 of the ITGAM protein (p.Val726Leu). This variant is present in population databases (rs370936973, gnomAD 0.03%). This variant has not been reported in the literature in individuals affected with ITGAM-related conditions. ClinVar contains an entry for this variant (Variation ID: 3627738). An algorithm developed to predict the effect of missense changes on protein structure and function outputs the following: PolyPhen-2: "Benign". The leucine amino acid residue is found in multiple mammalian species, which suggests that this missense change does not adversely affect protein function. In summary, the available evidence is currently insufficient to determine the role of this variant in disease. Therefore, it has been classified as a Variant of Uncertain Significance.